The following is an entry in ClinVar:

ClinVar aggregate classification (germline): Benign (1 of 4 stars; one submission).

Conditions:
Sessile serrated polyposis cancer syndrome (SSPCS). Identifiers: Orphanet 157798, MedGen C4310714, MONDO:0014919, OMIM 617108.

gnomAD v4.1: 1 of 1,612,518 alleles (0.000062%); highest among the groups gnomAD compares: Non-Finnish European, 0.000085%; no homozygotes.

Submission:

Myriad Genetics, Inc.
Classification: Benign for Sessile serrated polyposis cancer syndrome. Last evaluated: 2026-07-02. Review status: criteria provided, single submitter. Criteria: Myriad Autosomal Dominant, Autosomal Recessive and X-Linked Classification Criteria (2023). Collection method: clinical testing. Allele origin: unknown.
Comment: This variant is considered benign. This variant is a silent/synonymous amino acid change and it is not expected to impact splicing.

NM_017763.6(RNF43):c.1977T>A (p.Gly659=)

Gene: RNF43 (ring finger protein 43; minus strand). Cytogenetic location: 17q22.
Variant type: single nucleotide variant.
Coding change: c.1977T>A on transcript NM_017763.6 (MANE Select); coding-DNA position 1977, T replaced by A.
Protein change: p.Gly659=; no amino-acid change (glycine 659 retained).
Molecular consequence: synonymous variant.
Genome position (GRCh38, 1-based): chr17:58,357,799, A>T on the plus strand (T>A on the coding strand, the complement: RNF43 is on the minus strand). VCF-style: chr17-58357799-A-T. GRCh37 (hg19) VCF-style: chr17-56435160-A-T.
Other names: c.1977T>A, p.Gly659= (NM_001305544.3, NM_001438820.1, NM_001438821.1 and 1 more transcripts); c.1596T>A, p.Gly532= (NM_001305545.2, NM_001437987.1).
Identifiers: ClinVar variation 5042166 (VCV005042166.1).
Genomic context (GRCh38, chr17:58,357,799, plus strand): 5'-CTGGCAAGCTGGGTGCACAGTTGCATCCTGGGGCCGAGAGCCAGGGGTGGGCTCGGAGGG[A>T]CCCCCCCGCCTTTTCCTCTGTGGGTGTCGGGCAGAGAGGCTGGATTTTTGCAAGTTGAAC-3'
Protein context (NP_060233.3, residues 649-669): ARHPQRKRRG[Gly659=]PSEPTPGSRP